The following is an entry in ClinVar:

NM_000516.7(GNAS):c.129G>C (p.Leu43=)

Gene: GNAS (GNAS complex locus; plus strand). Cytogenetic location: 20q13.32.
Variant type: single nucleotide variant.
Coding change: c.129G>C on transcript NM_000516.7 (MANE Select); coding-DNA position 129, G replaced by C.
Protein change: p.Leu43=; no amino-acid change (leucine 43 retained).
Molecular consequence: synonymous variant. On other transcripts: intron variant (6).
Genome position (GRCh38, 1-based): chr20:58,891,855, G>C. VCF-style: chr20-58891855-G-C. GRCh37 (hg19) VCF-style: chr20-57466910-G-C.
Other names: c.*1-3757G>C (NM_001077490.3); c.2069-3757G>C (NM_080425.4); c.*159-3757G>C (NM_001309883.1); c.-39+2502G>C (NM_001309840.2); c.129G>C, p.Leu43= (NM_001077488.5, NM_001077489.4, NM_001309842.2 and 1 more transcripts); c.*43-3757G>C (NM_016592.5); c.-38-3757G>C (NM_001309861.2).
Identifiers: ClinVar variation 715269 (VCV000715269.8), dbSNP rs1373907464, ClinGen allele CA915953134.

ClinVar aggregate classification (germline): Likely benign. Review status: criteria provided, single submitter (1 of 4 stars). 2 submissions from 2 submitters: Likely benign (1). 1 of the submissions does not count toward it. Last evaluated 2019-02-11.

Conditions:
GNAS-related disorder. Identifiers: MedGen CN380105.

Allele frequency attached by ClinVar (database versions not stated): TOPMed below 0.00001.

Submissions (2):

Labcorp Genetics (formerly Invitae), Labcorp
Classification: Likely benign. Last evaluated: 2019-02-11. Review status: criteria provided, single submitter. Criteria: Invitae Variant Classification Sherloc (09022015). Collection method: clinical testing. Allele origin: germline.

PreventionGenetics, part of Exact Sciences
Classification: Likely benign for GNAS-related condition. Last evaluated: 2022-03-28. Review status: no assertion criteria provided. Collection method: clinical testing. Allele origin: germline. Not counted in ClinVar's aggregate classification.
Comment: This variant is classified as likely benign based on ACMG/AMP sequence variant interpretation guidelines (Richards et al. 2015 PMID: 25741868, with internal and published modifications).